The following is an entry in ClinVar:

NM_001367624.2(ZNF469):c.113A>C (p.Asn38Thr)

Gene: ZNF469 (zinc finger protein 469; plus strand). Cytogenetic location: 16q24.2.
Variant type: single nucleotide variant.
Coding change: c.113A>C on transcript NM_001367624.2 (MANE Select); coding-DNA position 113, A replaced by C.
Protein change: p.Asn38Thr; replaces asparagine 38 with threonine.
Molecular consequence: missense variant.
Genome position (GRCh38, 1-based): chr16:88,427,583, A>C. VCF-style: chr16-88427583-A-C. GRCh37 (hg19) VCF-style: chr16-88493991-A-C.
Other names: short protein forms N38T.
Identifiers: ClinVar variation 1940438 (VCV001940438.2), dbSNP rs2507570179, ClinGen allele CA397058016.

ClinVar aggregate classification (germline): Uncertain significance (1 of 4 stars; one submission).

Submission:

Labcorp Genetics (formerly Invitae), Labcorp
Classification: Uncertain significance. Last evaluated: 2022-09-09. Review status: criteria provided, single submitter. Criteria: Invitae Variant Classification Sherloc (09022015). Collection method: clinical testing. Allele origin: germline.
Comment: This sequence change replaces asparagine, which is neutral and polar, with threonine, which is neutral and polar, at codon 38 of the ZNF469 protein (p.Asn38Thr). This variant is not present in population databases (gnomAD no frequency). This variant has not been reported in the literature in individuals affected with ZNF469-related conditions. Algorithms developed to predict the effect of missense changes on protein structure and function (SIFT, PolyPhen-2, Align-GVGD) all suggest that this variant is likely to be tolerated. In summary, the available evidence is currently insufficient to determine the role of this variant in disease. Therefore, it has been classified as a Variant of Uncertain Significance.